The following is an entry in ClinVar:

NM_015295.3(SMCHD1):c.5476+9C>T

Gene: SMCHD1 (structural maintenance of chromosomes flexible hinge domain containing 1; plus strand). Cytogenetic location: 18p11.32.
Variant type: single nucleotide variant.
Coding change: c.5476+9C>T on transcript NM_015295.3 (MANE Select); 9 bases into the intron after coding-DNA position 5476, C replaced by T.
Molecular consequence: intron variant.
Genome position (GRCh38, 1-based): chr18:2,777,924, C>T. VCF-style: chr18-2777924-C-T. GRCh37 (hg19) VCF-style: chr18-2777922-C-T.
Identifiers: ClinVar variation 3034172 (VCV003034172.3), dbSNP rs527648000, ClinGen allele CA8871723.

ClinVar aggregate classification (germline): Likely benign. Review status: criteria provided, single submitter (1 of 4 stars). 2 submissions from 2 submitters: Likely benign (1). 1 of the submissions does not count toward it. Last evaluated 2024-10-01.

Conditions:
SMCHD1-related disorder. Also called: SMCHD1-related condition.

Allele frequency attached by ClinVar (database versions not stated): gnomAD 0.00028; ExAC 0.00035; TOPMed 0.00036; 1000 Genomes Project 30x 0.00094; 1000 Genomes Project 0.00100.
gnomAD v4.1: 251 of 1,475,638 alleles (0.017%); highest among the groups gnomAD compares: East Asian, 0.48%; no homozygotes.

Submissions (2):

Blueprint Genetics
Classification: Likely benign. Last evaluated: 2024-10-01. Review status: criteria provided, single submitter. Criteria: ACMG Guidelines, 2015. Collection method: clinical testing. Allele origin: germline.

PreventionGenetics, part of Exact Sciences
Classification: Benign for SMCHD1-related condition. Last evaluated: 2019-06-13. Review status: no assertion criteria provided. Collection method: clinical testing. Allele origin: germline. Not counted in ClinVar's aggregate classification.
Comment: This variant is classified as benign based on ACMG/AMP sequence variant interpretation guidelines (Richards et al. 2015 PMID: 25741868, with internal and published modifications).